The following is an entry in ClinVar:

NM_006231.4(POLE):c.6707G>A (p.Cys2236Tyr)

Gene: POLE (DNA polymerase epsilon, catalytic subunit; minus strand). Cytogenetic location: 12q24.33.
Variant type: single nucleotide variant.
Coding change: c.6707G>A on transcript NM_006231.4 (MANE Select); coding-DNA position 6707, G replaced by A.
Protein change: p.Cys2236Tyr; replaces cysteine 2236 with tyrosine.
Molecular consequence: missense variant.
Genome position (GRCh38, 1-based): chr12:132,624,945, C>T on the plus strand (G>A on the coding strand, the complement: POLE is on the minus strand). VCF-style: chr12-132624945-C-T. GRCh37 (hg19) VCF-style: chr12-133201531-C-T.
Other names: short protein forms C2236Y.
Identifiers: ClinVar variation 1018683 (VCV001018683.11), dbSNP rs1593694136, ClinGen allele CA387366119.

ClinVar aggregate classification (germline): Uncertain significance. Review status: criteria provided, multiple submitters, no conflicts (2 of 4 stars). 2 submissions from 2 submitters: Uncertain significance (2). Last evaluated 2024-08-10.

Conditions:
Hereditary cancer-predisposing syndrome. Also called: Tumor predisposition; Neoplastic Syndromes, Hereditary; Hereditary neoplastic syndrome; Hereditary Cancer Syndrome. Identifiers: Orphanet 140162, MedGen C0027672, MeSH D009386, MONDO:0015356.

Submissions (2):

Labcorp Genetics (formerly Invitae), Labcorp
Classification: Uncertain significance. Last evaluated: 2024-08-10. Review status: criteria provided, single submitter. Criteria: Invitae Variant Classification Sherloc (09022015). Collection method: clinical testing. Allele origin: germline.
Comment: This sequence change replaces cysteine, which is neutral and slightly polar, with tyrosine, which is neutral and polar, at codon 2236 of the POLE protein (p.Cys2236Tyr). This variant is not present in population databases (gnomAD no frequency). This variant has not been reported in the literature in individuals affected with POLE-related conditions. ClinVar contains an entry for this variant (Variation ID: 1018683). Advanced modeling of protein sequence and biophysical properties (such as structural, functional, and spatial information, amino acid conservation, physicochemical variation, residue mobility, and thermodynamic stability) performed at Invitae indicates that this missense variant is expected to disrupt POLE protein function with a positive predictive value of 80%. In summary, the available evidence is currently insufficient to determine the role of this variant in disease. Therefore, it has been classified as a Variant of Uncertain Significance.

Ambry Genetics
Classification: Uncertain significance for Hereditary cancer-predisposing syndrome. Last evaluated: 2021-10-03. Review status: criteria provided, single submitter. Criteria: Ambry Variant Classification Scheme 2023. Collection method: clinical testing. Allele origin: germline.
Comment: The p.C2236Y variant (also known as c.6707G>A), located in coding exon 48 of the POLE gene, results from a G to A substitution at nucleotide position 6707. The cysteine at codon 2236 is replaced by tyrosine, an amino acid with highly dissimilar properties. This amino acid position is conserved. In addition, the in silico prediction for this alteration is inconclusive. Since supporting evidence is limited at this time, the clinical significance of this alteration remains unclear.